The following is an entry in ClinVar:

ClinVar aggregate classification (germline): Uncertain significance. Review status: criteria provided, multiple submitters, no conflicts (2 of 4 stars). 5 submissions from 5 submitters: Uncertain significance (4). 1 of the submissions does not count toward it. Last evaluated 2026-04-08.

Conditions:
VPS13B-related disorder. Also called: VPS13B-related condition.
Cohen syndrome (COH1). Also called: Cutis verticis gyrata, retinitis pigmentosa, and sensorineural deafness; PEPPER SYNDROME. Identifiers: Orphanet 193, MedGen C0265223, MONDO:0008999, OMIM 216550.

Allele frequency attached by ClinVar (database versions not stated): gnomAD 0.00001; gnomAD exomes 0.00002; ExAC 0.00001.
gnomAD v4.1: 13 of 1,613,488 alleles (0.00081%); highest among the groups gnomAD compares: Admixed American, 0.013%; no homozygotes.

Submissions (5):

GeneDx
Classification: Uncertain significance. Last evaluated: 2026-04-08. Review status: criteria provided, single submitter. Criteria: GeneDx Variant Classification Process June 2021. Collection method: clinical testing. Allele origin: germline.
Comment: Not observed at significant frequency in large population cohorts (gnomAD); In silico analysis suggests that this missense variant does not alter protein structure/function; Has not been previously published as pathogenic or benign to our knowledge

PreventionGenetics, part of Exact Sciences
Classification: Uncertain significance for VPS13B-related condition. Last evaluated: 2025-09-10. Review status: criteria provided, single submitter. Criteria: ACMG Guidelines, 2015. Collection method: clinical testing. Allele origin: germline.
Comment: The VPS13B c.2912G>A variant is predicted to result in the amino acid substitution p.Arg971Gln. To our knowledge, this variant has not been reported in the literature. This variant is reported in 0.014% of alleles in individuals of Latino descent in gnomAD. At this time, the clinical significance of this variant is uncertain due to the absence of conclusive functional and genetic evidence.

Labcorp Genetics (formerly Invitae), Labcorp
Classification: Uncertain significance for Cohen syndrome. Last evaluated: 2022-08-31. Review status: criteria provided, single submitter. Criteria: Invitae Variant Classification Sherloc (09022015). Collection method: clinical testing. Allele origin: germline.
Comment: This sequence change replaces arginine, which is basic and polar, with glutamine, which is neutral and polar, at codon 971 of the VPS13B protein (p.Arg971Gln). This variant is present in population databases (rs778413172, gnomAD 0.02%). This variant has not been reported in the literature in individuals affected with VPS13B-related conditions. ClinVar contains an entry for this variant (Variation ID: 972661). Algorithms developed to predict the effect of missense changes on protein structure and function are either unavailable or do not agree on the potential impact of this missense change (SIFT: "Not Available"; PolyPhen-2: "Possibly Damaging"; Align-GVGD: "Not Available"). In summary, the available evidence is currently insufficient to determine the role of this variant in disease. Therefore, it has been classified as a Variant of Uncertain Significance.

Breakthrough Genomics
Classification: Uncertain significance. Review status: criteria provided, single submitter. Criteria: ACMG Guidelines, 2015. Collection method: not provided. Allele origin: germline. Inheritance: Autosomal recessive inheritance. Affected: yes.

Natera, Inc.
Classification: Uncertain significance for Cohen syndrome. Last evaluated: 2020-02-26. Review status: no assertion criteria provided. Collection method: clinical testing. Allele origin: germline. Not counted in ClinVar's aggregate classification.

NM_152564.5(VPS13B):c.2912G>A (p.Arg971Gln)

Gene: VPS13B (vacuolar protein sorting 13 homolog B; plus strand). Cytogenetic location: 8q22.2.
Variant type: single nucleotide variant.
Coding change: c.2912G>A on transcript NM_152564.5 (MANE Select); coding-DNA position 2912, G replaced by A.
Protein change: p.Arg971Gln; replaces arginine 971 with glutamine.
Molecular consequence: missense variant.
Genome position (GRCh38, 1-based): chr8:99,384,295, G>A. VCF-style: chr8-99384295-G-A. GRCh37 (hg19) VCF-style: chr8-100396523-G-A.
Other names: c.2912G>A, p.Arg971Gln (NM_017890.5); c.2912G>A (NM_152564.4, NM_017890.3); short protein forms R971Q.
Identifiers: ClinVar variation 972661 (VCV000972661.10), dbSNP rs778413172, ClinGen allele CA4823087.